The following is an entry in ClinVar:

ClinVar aggregate classification (germline): Conflicting classifications of pathogenicity. Review status: criteria provided, conflicting classifications (1 of 4 stars). 6 submissions from 6 submitters: Uncertain significance (2); Likely benign (3). 1 of the submissions does not count toward it. Last evaluated 2026-01-25.

Conditions:
SACS-related disorder. Also called: SACS-related condition.
Charlevoix-Saguenay spastic ataxia (SACS). Also called: AUTOSOMAL RECESSIVE SPASTIC ATAXIA OF CHARLEVOIX-SAGUENAY; Spastic ataxia of Charlevoix-Saguenay; SPASTIC ATAXIA 6, AUTOSOMAL RECESSIVE. Identifiers: Orphanet 98, MedGen C1849140, MONDO:0010041, OMIM 270550.
Spastic paraplegia. Identifiers: MedGen C0037772, HP:0001258.

Allele frequency attached by ClinVar (database versions not stated): gnomAD exomes 0.00011 and 0.00040; gnomAD 0.00013 and 0.00007; TOPMed 0.00023; ExAC 0.00033; 1000 Genomes Project 30x 0.00125; 1000 Genomes Project 0.00140.
gnomAD v4.1: 190 of 1,613,920 alleles (0.012%); highest among the groups gnomAD compares: East Asian, 0.38%; no homozygotes.

Submissions (6):

Labcorp Genetics (formerly Invitae), Labcorp
Classification: Likely benign for Spastic paraplegia. Last evaluated: 2026-01-25. Review status: criteria provided, single submitter. Criteria: Invitae Variant Classification Sherloc (09022015). Collection method: clinical testing. Allele origin: germline.

Blueprint Genetics
Classification: Likely benign. Last evaluated: 2024-10-03. Review status: criteria provided, single submitter. Criteria: ACMG Guidelines, 2015. Collection method: clinical testing. Allele origin: germline.

Department of Pathology and Laboratory Medicine, Sinai Health System
Classification: Uncertain significance for Charlevoix-Saguenay spastic ataxia. Last evaluated: 2021-11-16. Review status: criteria provided, single submitter. Criteria: ACMG Guidelines, 2015. Collection method: research. Allele origin: germline.

Genome-Nilou Lab
Classification: Likely benign for Charlevoix-Saguenay spastic ataxia. Last evaluated: 2021-09-05. Review status: criteria provided, single submitter. Criteria: ACMG Guidelines, 2015. Collection method: clinical testing. Allele origin: germline. Affected: no.

Illumina Laboratory Services, Illumina
Classification: Uncertain significance for Charlevoix-Saguenay spastic ataxia. Last evaluated: 2018-01-12. Review status: criteria provided, single submitter. Criteria: ICSL Variant Classification Criteria 13 December 2019. Collection method: clinical testing. Allele origin: germline.

PreventionGenetics, part of Exact Sciences
Classification: Likely benign for SACS-related condition. Last evaluated: 2019-07-12. Review status: no assertion criteria provided. Collection method: clinical testing. Allele origin: germline. Not counted in ClinVar's aggregate classification.
Comment: This variant is classified as likely benign based on ACMG/AMP sequence variant interpretation guidelines (Richards et al. 2015 PMID: 25741868, with internal and published modifications).

NM_014363.6(SACS):c.10909A>G (p.Met3637Val)

Gene: SACS (sacsin molecular chaperone; minus strand). Cytogenetic location: 13q12.12.
Variant type: single nucleotide variant.
Coding change: c.10909A>G on transcript NM_014363.6 (MANE Select); coding-DNA position 10909, A replaced by G.
Protein change: p.Met3637Val; replaces methionine 3637 with valine.
Molecular consequence: missense variant.
Genome position (GRCh38, 1-based): chr13:23,332,967, T>C on the plus strand (A>G on the coding strand, the complement: SACS is on the minus strand). VCF-style: chr13-23332967-T-C. GRCh37 (hg19) VCF-style: chr13-23907106-T-C.
Other names: c.10468A>G, p.Met3490Val (NM_001278055.2); short protein forms M3490V, M3637V.
Identifiers: ClinVar variation 696616 (VCV000696616.21), dbSNP rs150309559, ClinGen allele CA6910372.
Genomic context (GRCh38, chr13:23,332,967, plus strand): 5'-CAGGACATAAGAATGGTATTAAAGATAGTTCTTTCAGAAAATTTCCAGATAACAAATCCA[T>C]TCGTTCTTGGAATATATGATGCAGAAGGATATCAACTGTATTTTGCAATGTTTCTTTGGA-3'
Protein context (NP_055178.3, residues 3627-3647): ILLHHIFQER[Met3637Val]DLLSGNFLKE